The following is an entry in ClinVar:

NM_001081550.2(THOC2):c.1921+8T>C

Gene: THOC2 (THO complex subunit 2; minus strand). Cytogenetic location: Xq25.
Variant type: single nucleotide variant.
Coding change: c.1921+8T>C on transcript NM_001081550.2 (MANE Select); 8 bases into the intron after coding-DNA position 1921, T replaced by C.
Molecular consequence: intron variant.
Genome position (GRCh38, 1-based): chrX:123,638,035, A>G on the plus strand (T>C on the coding strand, the complement: THOC2 is on the minus strand). VCF-style: chrX-123638035-A-G. GRCh37 (hg19) VCF-style: chrX-122771886-A-G.
Other names: c.1921+8T>C (NM_001441236.1, NM_001441235.1).
Identifiers: ClinVar variation 5040231 (VCV005040231.1).

ClinVar aggregate classification (germline): Uncertain significance (1 of 4 stars; one submission).

Submission:

CeGaT Center for Human Genetics Tuebingen
Classification: Uncertain significance. Last evaluated: 2026-07-01. Review status: criteria provided, single submitter. Criteria: CeGaT Center For Human Genetics Tuebingen Variant Classification Criteria Version 2. Collection method: clinical testing. Allele origin: germline. Affected: yes. Observed: 1 variant allele.
Comment: THOC2: PM2, BP4